The following is an entry in ClinVar:

NM_001385012.1(NBEA):c.7091C>A (p.Thr2364Lys)

Gene: NBEA (neurobeachin; plus strand). Cytogenetic location: 13q13.3.
Variant type: single nucleotide variant.
Coding change: c.7091C>A on transcript NM_001385012.1 (MANE Select); coding-DNA position 7091, C replaced by A.
Protein change: p.Thr2364Lys; replaces threonine 2364 with lysine.
Molecular consequence: missense variant.
Genome position (GRCh38, 1-based): chr13:35,583,953, C>A. VCF-style: chr13-35583953-C-A. GRCh37 (hg19) VCF-style: chr13-36158090-C-A.
Other names: c.470C>A, p.Thr157Lys (NM_001204197.3); c.7082C>A, p.Thr2361Lys (NM_001379245.1); c.7091C>A, p.Thr2364Lys (NM_015678.5); short protein forms T157K, T2361K, T2364K.
Identifiers: ClinVar variation 4528054 (VCV004528054.1).
Genomic context (GRCh38, chr13:35,583,953, plus strand): 5'-AATAGCCAATTGGTGCTTTGAACCCCAAGAGAGCTGTGTTTTATGCAGAGCGTTATGAGA[C>A]ATGGGAAGATGATCAAAGCCCACCCTACCATTATAATACCCATTATTCAACAGCAACATC-3'
Protein context (NP_001371941.1, residues 2354-2374): RAVFYAERYE[Thr2364Lys]WEDDQSPPYH

ClinVar aggregate classification (germline): Uncertain significance (1 of 4 stars; one submission).

Submission:

GeneDx
Classification: Uncertain significance. Last evaluated: 2025-05-07. Review status: criteria provided, single submitter. Criteria: GeneDx Variant Classification Process June 2021. Collection method: clinical testing. Allele origin: germline. Affected: yes.
Comment: Not observed at significant frequency in large population cohorts (gnomAD); In silico analysis suggests that this missense variant does not alter protein structure/function; Has not been previously published as pathogenic or benign to our knowledge